The following is an entry in ClinVar:

NM_000059.4(BRCA2):c.518_631+462del

Gene: BRCA2 (BRCA2 DNA repair associated; plus strand). Cytogenetic location: 13q13.1.
Variant type: Deletion.
Coding change: c.518_631+462del on transcript NM_000059.4 (MANE Select); coding-DNA position 518 through 462 bases into the intron after coding-DNA position 631, 576 bases deleted.
Molecular consequence: splice donor variant.
Genome position (GRCh38, 1-based): chr13:32,326,500-32,327,075, 576 bases deleted. GRCh37 (hg19): chr13:32,900,637-32,901,212.
Identifiers: ClinVar variation 939372 (VCV000939372.1), dbSNP rs2072348853, ClinGen allele CA1139663062.

ClinVar aggregate classification (germline): Likely pathogenic (1 of 4 stars; one submission).

Conditions:
Hereditary breast ovarian cancer syndrome. Also called: Hereditary breast and/or ovarian cancer syndrome; Hereditary breast and ovarian cancer syndrome; Hereditary breast and ovarian cancer; Hereditary breast and ovarian cancer syndrome (HBOC); Breast and ovarian cancer; BRCA1- and BRCA2-Associated Hereditary Breast and Ovarian Cancer. Identifiers: Orphanet 145, MedGen C0677776, MeSH D061325, MONDO:0003582. Disease mechanism: loss of function.

Submission:

Labcorp Genetics (formerly Invitae), Labcorp
Classification: Likely pathogenic for Hereditary breast and ovarian cancer syndrome. Last evaluated: 2019-10-11. Review status: criteria provided, single submitter. Criteria: Invitae Variant Classification Sherloc (09022015). Collection method: clinical testing. Allele origin: germline.
Comment: This variant results in the alteration of part of exon 7 (c.518_631+462delins19) of the BRCA2 gene. It is expected to disrupt RNA splicing and likely results in an absent or disrupted protein product. This variant has not been reported in the literature in individuals with BRCA2-related conditions. Loss-of-function variants in BRCA2 are known to be pathogenic (PMID: 20104584). In summary, the currently available evidence indicates that the variant is pathogenic, but additional data are needed to prove that conclusively. Therefore, this variant has been classified as Likely Pathogenic.